The following is an entry in ClinVar:

NM_194248.3(OTOF):c.2123G>A (p.Arg708Gln)

Gene: OTOF (otoferlin; minus strand). Cytogenetic location: 2p23.3.
Variant type: single nucleotide variant.
Coding change: c.2123G>A on transcript NM_194248.3 (MANE Select); coding-DNA position 2123, G replaced by A.
Protein change: p.Arg708Gln; replaces arginine 708 with glutamine.
Molecular consequence: missense variant.
Genome position (GRCh38, 1-based): chr2:26,479,355, C>T on the plus strand (G>A on the coding strand, the complement: OTOF is on the minus strand). VCF-style: chr2-26479355-C-T. GRCh37 (hg19) VCF-style: chr2-26702223-C-T.
Other names: c.2123G>A, p.Arg708Gln (NM_001287489.2); short protein forms R708Q.
Identifiers: ClinVar variation 48186 (VCV000048186.39), dbSNP rs145019640, ClinGen allele CA142784.

ClinVar aggregate classification (germline): Conflicting classifications of pathogenicity. Review status: criteria provided, conflicting classifications (1 of 4 stars). 9 submissions from 9 submitters: Uncertain significance (4); Likely benign (5). Last evaluated 2026-02-02.

Conditions:
OTOF-related disorder. Also called: OTOF-related condition.
Autosomal recessive nonsyndromic hearing loss 9. Also called: NEUROSENSORY NONSYNDROMIC RECESSIVE DEAFNESS 9; Deafness, autosomal recessive 9; OTOF-Related Hearing Loss; AUDITORY NEUROPATHY, AUTOSOMAL RECESSIVE, 1, TEMPERATURE-SENSITIVE. Identifiers: Orphanet 90636, MedGen C1832828, MONDO:0010986, OMIM 601071.

Allele frequency attached by ClinVar (database versions not stated): gnomAD 0.00110 and 0.00098; ExAC 0.00112; gnomAD exomes 0.00131 and 0.00098; 1000 Genomes Project 0.00080; 1000 Genomes Project 30x 0.00094; TOPMed 0.00096; ESP Exome Variant Server 0.00108.
gnomAD v4.1: 2,098 of 1,612,784 alleles (0.13%); highest among the groups gnomAD compares: South Asian, 0.16%; 5 homozygotes.

Submissions (9):

Labcorp Genetics (formerly Invitae), Labcorp
Classification: Likely benign. Last evaluated: 2026-02-02. Review status: criteria provided, single submitter. Criteria: Invitae Variant Classification Sherloc (09022015). Collection method: clinical testing. Allele origin: germline.

CeGaT Center for Human Genetics Tuebingen
Classification: Likely benign. Last evaluated: 2025-02-01. Review status: criteria provided, single submitter. Criteria: CeGaT Center For Human Genetics Tuebingen Variant Classification Criteria Version 2. Collection method: clinical testing. Allele origin: germline. Affected: yes. Observed: 3 variant alleles.
Comment: OTOF: BP4, BS2

PreventionGenetics, part of Exact Sciences
Classification: Likely benign for OTOF-related condition. Last evaluated: 2024-12-02. Review status: criteria provided, single submitter. Criteria: ACMG Guidelines, 2015. Collection method: clinical testing. Allele origin: germline.
Comment: This variant is classified as likely benign based on ACMG/AMP sequence variant interpretation guidelines (Richards et al. 2015 PMID: 25741868, with internal and published modifications).

Blueprint Genetics
Classification: Likely benign. Last evaluated: 2024-11-21. Review status: criteria provided, single submitter. Criteria: ACMG Guidelines, 2015. Collection method: clinical testing. Allele origin: germline.

Mayo Clinic Laboratories, Mayo Clinic
Classification: Uncertain significance. Last evaluated: 2024-10-17. Review status: criteria provided, single submitter. Criteria: ACMG Guidelines, 2015. Collection method: clinical testing. Allele origin: germline. Observed: 1 variant allele.
Comment: BS1_supporting

GeneDx
Classification: Uncertain significance. Last evaluated: 2020-09-29. Review status: criteria provided, single submitter. Criteria: GeneDx Variant Classification Process June 2021. Collection method: clinical testing. Allele origin: germline. Affected: yes.
Comment: Identified without a second OTOF variant in an individual with hearing loss in published literature (Duan et al., 2017); In silico analysis, which includes protein predictors and evolutionary conservation, supports that this variant does not alter protein structure/function; This variant is associated with the following publications: (PMID: 28944914, 14635104)

Illumina Laboratory Services, Illumina
Classification: Uncertain significance for Autosomal recessive nonsyndromic hearing loss 9. Last evaluated: 2017-04-27. Review status: criteria provided, single submitter. Criteria: ICSL Variant Classification Criteria 13 December 2019. Collection method: clinical testing. Allele origin: germline.
Comment: This variant was observed as part of a predisposition screen in an ostensibly healthy population. A literature search was performed for the gene, cDNA change, and amino acid change (where applicable). Publications were found based on this search. However, the evidence from the literature, in combination with allele frequency data from public databases where available, was not sufficient to rule this variant in or out of causing disease. Therefore, this variant is classified as a variant of unknown significance.

Eurofins Ntd Llc (ga)
Classification: Uncertain significance. Last evaluated: 2015-07-28. Review status: criteria provided, single submitter. Criteria: EGL Classification Definitions 2015. Collection method: clinical testing. Allele origin: germline. Observed: 2 variant alleles, 2 heterozygotes.

Laboratory for Molecular Medicine, Mass General Brigham Personalized Medicine
Classification: Likely benign. Last evaluated: 2013-10-11. Review status: criteria provided, single submitter. Criteria: LMM Criteria. Collection method: clinical testing. Allele origin: germline. Observed: 4 variant alleles.
Comment: Arg708Gln in Exon 18 of OTOF: This variant is not expected to have clinical sign ificance because it has been identified in 0.1% (12/8598) of European American chromosomes by the NHLBI Exome Sequencing Project (EVS/; dbSNP rs145019640), and because the arginine (Arg) residue at position 708 is not highly conserved across species.

Literature cited by the submitters: PubMed 28944914 (cited by Mayo Clinic Laboratories, Mayo Clinic); PubMed 14635104 (cited by Illumina Laboratory Services, Illumina and Laboratory for Molecular Medicine, Mass General Brigham Personalized Medicine); PubMed 19250381 (cited by Illumina Laboratory Services, Illumina).